The following is an entry in ClinVar:

NM_000334.4(SCN4A):c.4367G>A (p.Gly1456Glu)

Genes: GH-LCR (growth hormone locus control region; plus strand), SCN4A (sodium voltage-gated channel alpha subunit 4; minus strand). Cytogenetic location: 17q23.3.
Variant type: single nucleotide variant.
Coding change: c.4367G>A on transcript NM_000334.4 (MANE Select); coding-DNA position 4367, G replaced by A.
Protein change: p.Gly1456Glu; replaces glycine 1456 with glutamic acid.
Molecular consequence: missense variant.
Genome position (GRCh38, 1-based): chr17:63,941,915, C>T on the plus strand (G>A on the coding strand, the complement: SCN4A is on the minus strand). VCF-style: chr17-63941915-C-T. GRCh37 (hg19) VCF-style: chr17-62019275-C-T.
Other names: short protein forms G1456E.
Identifiers: ClinVar variation 5915 (VCV000005915.5), dbSNP rs121908554, ClinGen allele CA117849.
Genomic context (GRCh38, chr17:63,941,915, plus strand): 5'-ATGAGGGCGAACAGCAGCGTCCGGATGCCCTTGGCCCCGCGGATCAGCCGCAGGACACGC[C>T]CAATCCGCGCCAGGCGGATCACACGGAACAGCGTGGGTGACACGAAGTACTTCTGGATCA-3'
Protein context (NP_000325.4, residues 1446-1466): LFRVIRLARI[Gly1456Glu]RVLRLIRGAK

ClinVar aggregate classification (germline): Likely pathogenic. Review status: criteria provided, single submitter (1 of 4 stars). 2 submissions from 2 submitters: Likely pathogenic (1). 1 of the submissions does not count toward it. Last evaluated 2025-03-31.

Conditions:
Paramyotonia congenita of Von Eulenburg. Also called: Eulenburg disease; Myotonia congenita intermittens; Von Eulenburg paramyotonia congenita; Paramyotonia Congenita; PARALYSIS PERIODICA PARAMYOTONICA. Identifiers: Orphanet 684, MedGen C0221055, MONDO:0008195, OMIM 168300. Disease mechanism: loss of function.

Submissions (2):

GeneDx
Classification: Likely pathogenic. Last evaluated: 2025-03-31. Review status: criteria provided, single submitter. Criteria: GeneDx Variant Classification Process June 2021. Collection method: clinical testing. Allele origin: germline. Affected: yes.
Comment: Not observed at significant frequency in large population cohorts (gnomAD); In silico analysis supports that this missense variant has a deleterious effect on protein structure/function; This variant is associated with the following publications: (PMID: 23884711, 36796140, 10369308, 10727489)

OMIM
Classification: Pathogenic for PARAMYOTONIA CONGENITA. Last evaluated: 2000-04-01. Review status: no assertion criteria provided. Collection method: literature only. Allele origin: germline. Not counted in ClinVar's aggregate classification.

Literature cited by the submitters: PubMed 10369308 (cited by OMIM); PubMed 10727489 (cited by OMIM).